The following is an entry in ClinVar:

NM_000044.6(AR):c.2221T>C (p.Ser741Pro)

Gene: AR (androgen receptor; plus strand). Cytogenetic location: Xq12.
Variant type: single nucleotide variant.
Coding change: c.2221T>C on transcript NM_000044.6 (MANE Select); coding-DNA position 2221, T replaced by C.
Protein change: p.Ser741Pro; replaces serine 741 with proline.
Molecular consequence: missense variant.
Genome position (GRCh38, 1-based): chrX:67,717,525, T>C. VCF-style: chrX-67717525-T-C. GRCh37 (hg19) VCF-style: chrX-66937367-T-C.
Other names: c.625T>C, p.Ser209Pro (NM_001011645.3); short protein forms S209P, S741P.
Identifiers: ClinVar variation 2431800 (VCV002431800.1), dbSNP rs2147530773, ClinGen allele CA413424504.

ClinVar aggregate classification (germline): Likely pathogenic (1 of 4 stars; one submission).

Conditions:
Androgen resistance syndrome (AIS). Also called: ANDROGEN RECEPTOR DEFICIENCY; DIHYDROTESTOSTERONE RECEPTOR DEFICIENCY; TESTICULAR FEMINIZATION SYNDROME; Androgen insensitivity, complete; Androgen insensitivity syndrome due to coactivator deficiency; Androgen insensitivity syndrome. Identifiers: Orphanet 754, Orphanet 99429, MedGen C0039585, MONDO:0019154, OMIM 300068. Disease mechanism: loss of function.

Submission:

Laboratorio de Genetica e Diagnostico Molecular, Hospital Israelita Albert Einstein
Classification: Likely pathogenic for Androgen resistance syndrome. Last evaluated: 2022-04-08. Review status: criteria provided, single submitter. Criteria: ACMG Guidelines, 2015. Collection method: clinical testing. Allele origin: germline. Affected: yes. Observed: 1 variant allele.
Comment: ACMG classification criteria: PM2 moderated, PM5 moderated, PP3 supporting, PP4